The following is an entry in ClinVar:

ClinVar aggregate classification (germline): Uncertain significance (1 of 4 stars; one submission).

Allele frequency attached by ClinVar (database versions not stated): TOPMed 0.00001.
gnomAD v4.1: 5 of 1,613,704 alleles (0.00031%); highest among the groups gnomAD compares: South Asian, 0.0022%; no homozygotes.

Submission:

Labcorp Genetics (formerly Invitae), Labcorp
Classification: Uncertain significance. Last evaluated: 2022-01-27. Review status: criteria provided, single submitter. Criteria: Invitae Variant Classification Sherloc (09022015). Collection method: clinical testing. Allele origin: germline.
Comment: This variant has not been reported in the literature in individuals affected with SYT2-related conditions. This variant is not present in population databases (gnomAD no frequency). This sequence change replaces alanine, which is neutral and non-polar, with proline, which is neutral and non-polar, at codon 168 of the SYT2 protein (p.Ala168Pro). Algorithms developed to predict the effect of missense changes on protein structure and function are either unavailable or do not agree on the potential impact of this missense change (SIFT: "Deleterious"; PolyPhen-2: "Possibly Damaging"; Align-GVGD: "Class C0"). In summary, the available evidence is currently insufficient to determine the role of this variant in disease. Therefore, it has been classified as a Variant of Uncertain Significance.

NM_177402.5(SYT2):c.502G>C (p.Ala168Pro)

Gene: SYT2 (synaptotagmin 2; minus strand). Cytogenetic location: 1q32.1.
Variant type: single nucleotide variant.
Coding change: c.502G>C on transcript NM_177402.5 (MANE Select); coding-DNA position 502, G replaced by C.
Protein change: p.Ala168Pro; replaces alanine 168 with proline.
Molecular consequence: missense variant.
Genome position (GRCh38, 1-based): chr1:202,602,509, C>G on the plus strand (G>C on the coding strand, the complement: SYT2 is on the minus strand). VCF-style: chr1-202602509-C-G. GRCh37 (hg19) VCF-style: chr1-202571637-C-G.
Other names: c.502G>C, p.Ala168Pro (NM_001136504.1); short protein forms A168P.
Identifiers: ClinVar variation 1958683 (VCV001958683.5), dbSNP rs200601857, ClinGen allele CA344258344.